The following is an entry in ClinVar:

ClinVar aggregate classification (germline): Conflicting classifications of pathogenicity. Review status: criteria provided, conflicting classifications (1 of 4 stars). 2 submissions from 2 submitters: Pathogenic (1); Uncertain significance (1). Last evaluated 2022-10-07.

Allele frequency attached by ClinVar (database versions not stated): gnomAD below 0.00001 and 0.00001.
gnomAD v4.1: 1 of 1,599,662 alleles (0.000063%); highest among the groups gnomAD compares: South Asian, 0.0011%; no homozygotes.

Submissions (2):

Athena Diagnostics
Classification: Pathogenic. Last evaluated: 2022-10-07. Review status: criteria provided, single submitter. Criteria: Athena Diagnostics Criteria. Collection method: clinical testing. Allele origin: unknown.
Comment: The frequency of this variant in the general population is consistent with pathogenicity. This variant has been identified in at least one individual with clinical features associated with CADASIL. This variant alters a critical location within the protein, and is expected to severely affect function and cause disease. Greater than 90% of NOTCH3 pathogenic variants associated with CADASIL involve the gain or loss of a cysteine residue within the epidermal growth factor (EGF)-like repeat domain (PMID: 32457593, 20301673).

ARUP Laboratories, Molecular Genetics and Genomics, ARUP Laboratories
Classification: Uncertain significance. Last evaluated: 2019-11-20. Review status: criteria provided, single submitter. Criteria: ARUP Molecular Germline Variant Investigation Process. Collection method: clinical testing. Allele origin: germline.
Comment: The NOTCH3 c.1474A>T; p.Ser492Cys variant, to our knowledge, is not reported in the medical literature or gene specific databases. This variant is also absent from general population databases (Exome Variant Server, Genome Aggregation Database), indicating it is not a common polymorphism. The serine at codon 492 is highly conserved, and computational analyses (SIFT: tolerated, PolyPhen-2: probably damaging) predict conflicting effects of this variant on protein structure/function. Most pathogenic NOTCH3 variants occur in exons 2-24 and either create or destroy a cysteine residue within an EGF-like domain (Rutten 2014), and thus the p.Ser492Cys variant is consistent with the predominant mechanism of disease in NOTCH3. However, given the lack of clinical and functional data, the significance of the p.Ser492Cys variant is uncertain at this time. References: Rutten JW et al. Interpretation of NOTCH3 mutations in the diagnosis of CADASIL. Expert Rev Mol Diagn. 2014 Jun;14(5):593-603.

Literature cited by the submitters: PubMed 33161844 (cited by Athena Diagnostics).

NM_000435.3(NOTCH3):c.1474A>T (p.Ser492Cys)

Gene: NOTCH3 (notch receptor 3; minus strand). Cytogenetic location: 19p13.12.
Variant type: single nucleotide variant.
Coding change: c.1474A>T on transcript NM_000435.3 (MANE Select); coding-DNA position 1474, A replaced by T.
Protein change: p.Ser492Cys; replaces serine 492 with cysteine.
Molecular consequence: missense variant.
Genome position (GRCh38, 1-based): chr19:15,188,253, T>A on the plus strand (A>T on the coding strand, the complement: NOTCH3 is on the minus strand). VCF-style: chr19-15188253-T-A. GRCh37 (hg19) VCF-style: chr19-15299064-T-A.
Other names: c.1474A>T (NM_000435.2); short protein forms S492C.
Identifiers: ClinVar variation 993838 (VCV000993838.9), dbSNP rs2046899820, ClinGen allele CA404526777.